The following is an entry in ClinVar:

NM_001134831.2(AHI1):c.3042dup (p.Lys1015Ter)

Gene: AHI1 (Abelson helper integration site 1; minus strand). Cytogenetic location: 6q23.3.
Variant type: Duplication.
Coding change: c.3042dup on transcript NM_001134831.2 (MANE Select); coding-DNA position 3042, one base duplicated (T; older notation c.3042dupT).
Protein change: p.Lys1015Ter; replaces lysine 1015 with a stop codon.
Molecular consequence: nonsense.
Genome position (GRCh38, 1-based): chr6:135,394,843, A duplicated on the plus strand (T on the coding strand, the reverse complement: AHI1 is on the minus strand). VCF-style (leftmost placement, unchanged base first): chr6-135394842-T-TA. GRCh37 (hg19) VCF-style: chr6-135715980-T-TA.
Other names: c.3042dup, p.Lys1015Ter (NM_001134830.2, NM_001134832.2, NM_001350503.2 and 2 more transcripts); short protein forms K1015*.
Identifiers: ClinVar variation 5003951 (VCV005003951.1).

ClinVar aggregate classification (germline): Pathogenic (1 of 4 stars; one submission).

Conditions:
Joubert syndrome 3 (JBTS3). Also called: AHI1-related Ciliopathy. Identifiers: Orphanet 220493, MedGen C1837713, MONDO:0012078, OMIM 608629.

Submission:

Myriad Genetics, Inc.
Classification: Pathogenic for Joubert syndrome 3. Last evaluated: 2025-08-05. Review status: criteria provided, single submitter. Criteria: Myriad Autosomal Dominant, Autosomal Recessive and X-Linked Classification Criteria (2023). Collection method: clinical testing. Allele origin: unknown.
Comment: NM_001134831.1(AHI1):c.3042dupT(K1015*) is a nonsense variant classified as pathogenic in the context of Joubert syndrome, AHI1-related. K1015* has not been observed in cases with relevant disease. Relevant functional assessments of this variant are not available in the literature. K1015* has not been observed in referenced population frequency databases. In summary, NM_001134831.1(AHI1):c.3042dupT(K1015*) is a nonsense variant in a gene where loss of function is a known mechanism of disease and is predicted to disrupt protein function. Please note: this variant was assessed in the context of healthy population screening.